The following is an entry in ClinVar:

ClinVar aggregate classification (germline): Uncertain significance. Review status: criteria provided, multiple submitters, no conflicts (2 of 4 stars). 3 submissions from 3 submitters: Uncertain significance (3). Last evaluated 2026-01-02.

Conditions:
Hereditary cancer-predisposing syndrome. Also called: Hereditary Cancer Syndrome; Hereditary neoplastic syndrome; Neoplastic Syndromes, Hereditary; Tumor predisposition. Identifiers: Orphanet 140162, MedGen C0027672, MeSH D009386, MONDO:0015356.
Hereditary nonpolyposis colorectal neoplasms. Identifiers: MedGen C0009405, MeSH D003123.
Endometrial carcinoma. Also called: Endometrial carcinoma, somatic. Identifiers: MedGen C0476089, MONDO:0002447, OMIM 608089, HP:0012114.

Submissions (3):

Labcorp Genetics (formerly Invitae), Labcorp
Classification: Uncertain significance for Hereditary nonpolyposis colorectal neoplasms. Last evaluated: 2026-01-02. Review status: criteria provided, single submitter. Criteria: Invitae Variant Classification Sherloc (09022015). Collection method: clinical testing. Allele origin: germline.
Comment: This sequence change replaces glycine, which is neutral and non-polar, with serine, which is neutral and polar, at codon 477 of the MSH6 protein (p.Gly477Ser). This variant is not present in population databases (gnomAD no frequency). This variant has not been reported in the literature in individuals affected with MSH6-related conditions. ClinVar contains an entry for this variant (Variation ID: 455136). Invitae Evidence Modeling of protein sequence and biophysical properties (such as structural, functional, and spatial information, amino acid conservation, physicochemical variation, residue mobility, and thermodynamic stability) has been performed for this missense variant. However, the output from this modeling did not meet the statistical confidence thresholds required to predict the impact of this variant on MSH6 protein function. In summary, the available evidence is currently insufficient to determine the role of this variant in disease. Therefore, it has been classified as a Variant of Uncertain Significance.

Ambry Genetics
Classification: Uncertain significance for Hereditary cancer-predisposing syndrome. Last evaluated: 2025-12-11. Review status: criteria provided, single submitter. Criteria: Ambry Variant Classification Scheme 2023. Collection method: clinical testing. Allele origin: germline.
Comment: The p.G477S variant (also known as c.1429G>A), located in coding exon 4 of the MSH6 gene, results from a G to A substitution at nucleotide position 1429. The glycine at codon 477 is replaced by serine, an amino acid with similar properties. This amino acid position is conserved. In addition, this alteration is predicted to be deleterious by in silico analysis. Based on the available evidence, the clinical significance of this variant remains unclear.

Baylor Genetics
Classification: Uncertain significance for Endometrial carcinoma. Last evaluated: 2023-06-28. Review status: criteria provided, single submitter. Criteria: ACMG Guidelines, 2015. Collection method: clinical testing. Allele origin: unknown.

NM_000179.3(MSH6):c.1429G>A (p.Gly477Ser)

Gene: MSH6 (mutS homolog 6; plus strand). Cytogenetic location: 2p16.3.
Variant type: single nucleotide variant.
Coding change: c.1429G>A on transcript NM_000179.3 (MANE Select); coding-DNA position 1429, G replaced by A.
Protein change: p.Gly477Ser; replaces glycine 477 with serine.
Molecular consequence: missense variant.
Genome position (GRCh38, 1-based): chr2:47,799,412, G>A. VCF-style: chr2-47799412-G-A. GRCh37 (hg19) VCF-style: chr2-48026551-G-A.
Other names: c.1039G>A, p.Gly347Ser (NM_001281492.2); c.523G>A, p.Gly175Ser (NM_001281493.2, NM_001281494.2); short protein forms G477S, G347S, G175S.
Identifiers: ClinVar variation 455136 (VCV000455136.11), dbSNP rs1251859821, ClinGen allele CA346745456.